The following is an entry in ClinVar:

ClinVar aggregate classification (germline): Likely benign. Review status: criteria provided, multiple submitters, no conflicts (2 of 4 stars). 2 submissions from 2 submitters: Likely benign (2). Last evaluated 2025-12-01.

gnomAD v4.1: 753 of 1,598,012 alleles (0.047%); highest among the groups gnomAD compares: Non-Finnish European, 0.06%; no homozygotes.

Submissions (2):

CeGaT Center for Human Genetics Tuebingen
Classification: Likely benign. Last evaluated: 2025-12-01. Review status: criteria provided, single submitter. Criteria: CeGaT Center For Human Genetics Tuebingen Variant Classification Criteria Version 2. Collection method: clinical testing. Allele origin: germline. Affected: yes. Observed: 3 variant alleles.
Comment: ABCA2: BP4, BP7

Blueprint Genetics
Classification: Likely benign. Last evaluated: 2024-03-02. Review status: criteria provided, single submitter. Criteria: ACMG Guidelines, 2015. Collection method: clinical testing. Allele origin: germline.

NM_001606.5(ABCA2):c.1194G>A (p.Thr398=)

Gene: ABCA2 (ATP binding cassette subfamily A member 2; minus strand). Cytogenetic location: 9q34.3.
Variant type: single nucleotide variant.
Coding change: c.1194G>A on transcript NM_001606.5 (MANE Select); coding-DNA position 1194, G replaced by A.
Protein change: p.Thr398=; no amino-acid change (threonine 398 retained).
Molecular consequence: synonymous variant.
Genome position (GRCh38, 1-based): chr9:137,020,765, C>T on the plus strand (G>A on the coding strand, the complement: ABCA2 is on the minus strand). VCF-style: chr9-137020765-C-T. GRCh37 (hg19) VCF-style: chr9-139915217-C-T.
Other names: c.1191G>A, p.Thr397= (NM_001411042.1); c.1284G>A, p.Thr428= (NM_212533.3).
Identifiers: ClinVar variation 4083692 (VCV004083692.9).